The following is an entry in ClinVar:

ClinVar aggregate classification (germline): Conflicting classifications of pathogenicity. Review status: criteria provided, conflicting classifications (1 of 4 stars). 5 submissions from 5 submitters: Uncertain significance (3); Benign (1). 1 of the submissions does not count toward it. Last evaluated 2026-01-26.

Conditions:
Hereditary cancer-predisposing syndrome. Also called: Tumor predisposition; Hereditary neoplastic syndrome; Neoplastic Syndromes, Hereditary; Hereditary Cancer Syndrome. Identifiers: Orphanet 140162, MedGen C0027672, MeSH D009386, MONDO:0015356.
Neuroblastoma, susceptibility to, 3. Also called: ALK-Related Neuroblastic Tumor Susceptibility. Identifiers: Orphanet 635, MedGen C2751681, MONDO:0013083, OMIM 613014.

Allele frequency attached by ClinVar (database versions not stated): gnomAD exomes 0.00009 and 0.00013; gnomAD 0.00011; TOPMed 0.00012; ExAC 0.00013; ESP Exome Variant Server 0.00023.
gnomAD v4.1: 144 of 1,613,962 alleles (0.0089%); highest among the groups gnomAD compares: Non-Finnish European, 0.011%; no homozygotes.

Submissions (5):

Labcorp Genetics (formerly Invitae), Labcorp
Classification: Uncertain significance for Neuroblastoma, susceptibility to, 3. Last evaluated: 2026-01-26. Review status: criteria provided, single submitter. Criteria: Invitae Variant Classification Sherloc (09022015). Collection method: clinical testing. Allele origin: germline.
Comment: This sequence change replaces phenylalanine, which is neutral and non-polar, with leucine, which is neutral and non-polar, at codon 270 of the ALK protein (p.Phe270Leu). This variant is present in population databases (rs143229596, gnomAD 0.02%). This variant has not been reported in the literature in individuals affected with ALK-related conditions. ClinVar contains an entry for this variant (Variation ID: 133481). An algorithm developed to predict the effect of missense changes on protein structure and function (PolyPhen-2) suggests that this variant is likely to be tolerated. In summary, the available evidence is currently insufficient to determine the role of this variant in disease. Therefore, it has been classified as a Variant of Uncertain Significance.

Ambry Genetics
Classification: Benign for Hereditary cancer-predisposing syndrome. Last evaluated: 2024-06-25. Review status: criteria provided, single submitter. Criteria: Ambry Variant Classification Scheme 2023. Collection method: clinical testing. Allele origin: germline.

Baylor Genetics
Classification: Uncertain significance for Neuroblastoma, susceptibility to, 3. Last evaluated: 2024-03-03. Review status: criteria provided, single submitter. Criteria: ACMG Guidelines, 2015. Collection method: clinical testing. Allele origin: unknown.

GeneDx
Classification: Uncertain significance. Last evaluated: 2024-01-09. Review status: criteria provided, single submitter. Criteria: GeneDx Variant Classification Process June 2021. Collection method: clinical testing. Allele origin: germline. Affected: yes.
Comment: In silico analysis supports that this missense variant does not alter protein structure/function; Identified in healthy individuals undergoing whole genome sequencing (PMID: 24728327); This variant is associated with the following publications: (PMID: 24728327)

ITMI
No classification provided. Condition: AllHighlyPenetrant. Last evaluated: 2013-09-19. Review status: no classification provided. Collection method: reference population. Allele origin: germline. Not counted in ClinVar's aggregate classification.
Comment: Please see associated publication for description of ethnicities

Literature cited by the submitters: PubMed 24728327 (cited by ITMI).

NM_004304.5(ALK):c.808T>C (p.Phe270Leu)

Gene: ALK (ALK receptor tyrosine kinase; minus strand). Cytogenetic location: 2p23.2.
Variant type: single nucleotide variant.
Coding change: c.808T>C on transcript NM_004304.5 (MANE Select); coding-DNA position 808, T replaced by C.
Protein change: p.Phe270Leu; replaces phenylalanine 270 with leucine.
Molecular consequence: missense variant.
Genome position (GRCh38, 1-based): chr2:29,694,994, A>G on the plus strand (T>C on the coding strand, the complement: ALK is on the minus strand). VCF-style: chr2-29694994-A-G. GRCh37 (hg19) VCF-style: chr2-29917860-A-G.
Other names: short protein forms F270L.
Identifiers: ClinVar variation 133481 (VCV000133481.15), dbSNP rs143229596, ClinGen allele CA156659.